The following is an entry in ClinVar:

NM_000059.4(BRCA2):c.8953+80G>A

Gene: BRCA2 (BRCA2 DNA repair associated; plus strand). Cytogenetic location: 13q13.1.
Variant type: single nucleotide variant.
Coding change: c.8953+80G>A on transcript NM_000059.4 (MANE Select); 80 bases into the intron after coding-DNA position 8953, G replaced by A.
Molecular consequence: intron variant.
Genome position (GRCh38, 1-based): chr13:32,379,595, G>A. VCF-style: chr13-32379595-G-A. GRCh37 (hg19) VCF-style: chr13-32953732-G-A.
Identifiers: ClinVar variation 1327148 (VCV001327148.4), dbSNP rs543831222, ClinGen allele CA247493617.

ClinVar aggregate classification (germline): Conflicting classifications of pathogenicity. Review status: criteria provided, conflicting classifications (1 of 4 stars). 3 submissions from 3 submitters: Uncertain significance (1); Benign (1); Likely benign (1). Last evaluated 2025-11-05.

Conditions:
Breast-ovarian cancer, familial, susceptibility to, 2 (BROVCA2). Also called: BRCA2 Hereditary Breast and Ovarian Cancer. Identifiers: Orphanet 145, MedGen C2675520, MONDO:0012933, OMIM 612555. Disease mechanism: loss of function.

Allele frequency attached by ClinVar (database versions not stated): gnomAD 0.00010 and 0.00008; gnomAD exomes 0.00010; TOPMed 0.00006; 1000 Genomes Project 30x 0.00047; 1000 Genomes Project 0.00060.
gnomAD v4.1: 149 of 1,549,576 alleles (0.0096%); highest among the groups gnomAD compares: South Asian, 0.084%; 1 homozygote.

Submissions (3):

Dasa
Classification: Likely benign for Breast-ovarian cancer, familial, susceptibility to, 2. Last evaluated: 2025-11-05. Review status: criteria provided, single submitter. Criteria: DASA Assertion Criteria. Collection method: clinical testing. Allele origin: germline.
Comment: NM_000059.4(BRCA2):c.8953+80G>A is an intronic variant. Population frequency is inconsistent with a disease-causing role for this variant, and the variant context is inconsistent with a known disease-causing mechanism. Therefore, based on the currently available evidence, this variant is classified as likely benign.

Dipartimento Di Medicina Di Precisione, Università Degli Studi Della Campania Luigi Vanvitelli
Classification: Benign for Breast-ovarian cancer, familial, susceptibility to, 2. Last evaluated: 2025-07-16. Review status: criteria provided, single submitter. Criteria: ACMG Guidelines, 2015. Collection method: clinical testing. Allele origin: germline. Inheritance: Autosomal dominant inheritance. Affected: yes. Observed: 1 heterozygote.
Comment: The BRCA2 c.8953+80G>A variant, located in intron 22, was initially classified as a Variant of Uncertain Significance (VUS) but has been subsequently reclassified as benign. In silico analyses using tools such as SpliceAI and MaxEntScan did not reveal any significant impact on canonical splice sites nor the creation of cryptic splice sites. Moreover, the involved nucleotide is not highly conserved, and there is no evidence of pathogenicity from clinical, functional, or co-segregation studies. This reclassification is supported by recent studies highlighting the importance of integrating genomic data and computational predictions for accurate reclassification of VUS in patients with suspected hereditary breast and ovarian cancer (HBOC)

Molecular Endocrinology Laboratory, Christian Medical College
Classification: Uncertain significance for Breast-ovarian cancer, familial, susceptibility to, 2. Review status: criteria provided, single submitter. Criteria: ACMG Guidelines, 2015. Collection method: clinical testing. Allele origin: germline. Affected: yes.

Literature cited by the submitters: DOI 10.3390/ijms26135928 (cited by Dipartimento Di Medicina Di Precisione, Università Degli Studi Della Campania Luigi Vanvitelli).